The following is an entry in ClinVar:

ClinVar aggregate classification (germline): Uncertain significance. Review status: criteria provided, multiple submitters, no conflicts (2 of 4 stars). 4 submissions from 4 submitters: Uncertain significance (4). Last evaluated 2026-07-01.

Conditions:
CHARGE syndrome (CHARGE). Also called: Hittner Hirsch Kreh syndrome; CHARGE ASSOCIATION--COLOBOMA, HEART ANOMALY, CHOANAL ATRESIA, RETARDATION, GENITAL AND EAR ANOMALIES; Coloboma, heart anomaly, choanal atresia, retardation, genital and ear anomalies; CHARGE association; Hall-Hittner syndrome. Identifiers: Orphanet 138, MedGen C0265354, MONDO:0008965.
Hypogonadotropic hypogonadism 5 with or without anosmia (KAL5). Also called: HYPOGONADOTROPIC HYPOGONADISM 5 WITH ANOSMIA; CHD7-Related GnRH Deficiency (Kallmann Syndrome 5); HYPOGONADOTROPHIC HYPOGONADISM 5 WITHOUT ANOSMIA. Identifiers: Orphanet 478, MedGen C3552553, MONDO:0012880, OMIM 612370. Disease mechanism: loss of function.

Allele frequency attached by ClinVar (database versions not stated): gnomAD 0.00001; TOPMed 0.00002; ESP Exome Variant Server 0.00017.
gnomAD v4.1: 99 of 1,612,168 alleles (0.0061%); highest among the groups gnomAD compares: Non-Finnish European, 0.0081%; no homozygotes.

Submissions (4):

CeGaT Center for Human Genetics Tuebingen
Classification: Uncertain significance. Last evaluated: 2026-07-01. Review status: criteria provided, single submitter. Criteria: CeGaT Center For Human Genetics Tuebingen Variant Classification Criteria Version 2. Collection method: clinical testing. Allele origin: germline. Affected: yes. Observed: 1 variant allele.

Labcorp Genetics (formerly Invitae), Labcorp
Classification: Uncertain significance for CHARGE syndrome. Last evaluated: 2025-07-14. Review status: criteria provided, single submitter. Criteria: Invitae Variant Classification Sherloc (09022015). Collection method: clinical testing. Allele origin: germline.
Comment: This sequence change replaces asparagine, which is neutral and polar, with aspartic acid, which is acidic and polar, at codon 700 of the CHD7 protein (p.Asn700Asp). This variant is present in population databases (rs370267935, gnomAD 0.002%). This missense change has been observed in individual(s) with congenital heart disease (PMID: 30293987). ClinVar contains an entry for this variant (Variation ID: 1359827). An algorithm developed to predict the effect of missense changes on protein structure and function (PolyPhen-2) suggests that this variant is likely to be tolerated. In summary, the available evidence is currently insufficient to determine the role of this variant in disease. Therefore, it has been classified as a Variant of Uncertain Significance.

Blueprint Genetics
Classification: Uncertain significance. Last evaluated: 2022-04-28. Review status: criteria provided, single submitter. Criteria: ACMG Guidelines, 2015. Collection method: clinical testing. Allele origin: germline.

Fulgent Genetics
Classification: Uncertain significance for CHD7-related CHARGE syndrome; Hypogonadotropic hypogonadism 5 with or without anosmia. Last evaluated: 2021-11-02. Review status: criteria provided, single submitter. Criteria: ACMG Guidelines, 2015. Collection method: clinical testing. Allele origin: unknown.

Literature cited by the submitters: PubMed 30293987 (cited by Labcorp Genetics (formerly Invitae), Labcorp).

NM_017780.4(CHD7):c.2098A>G (p.Asn700Asp)

Gene: CHD7 (chromodomain helicase DNA binding protein 7; plus strand). Cytogenetic location: 8q12.2.
Variant type: single nucleotide variant.
Coding change: c.2098A>G on transcript NM_017780.4 (MANE Select); coding-DNA position 2098, A replaced by G.
Protein change: p.Asn700Asp; replaces asparagine 700 with aspartic acid.
Molecular consequence: missense variant. On other transcripts: intron variant (1).
Genome position (GRCh38, 1-based): chr8:60,794,987, A>G. VCF-style: chr8-60794987-A-G. GRCh37 (hg19) VCF-style: chr8-61707546-A-G.
Other names: c.1716+13937A>G (NM_001316690.1); short protein forms N700D.
Identifiers: ClinVar variation 1359827 (VCV001359827.11), dbSNP rs370267935, ClinGen allele CA177311889.